The following is an entry in ClinVar:

ClinVar aggregate classification (germline): Benign/Likely benign. Review status: criteria provided, multiple submitters, no conflicts (2 of 4 stars). 7 submissions from 7 submitters: Benign (2); Likely benign (5). Last evaluated 2025-10-18.

Conditions:
Hereditary cancer-predisposing syndrome. Also called: Tumor predisposition; Hereditary neoplastic syndrome; Neoplastic Syndromes, Hereditary; Hereditary Cancer Syndrome. Identifiers: Orphanet 140162, MedGen C0027672, MeSH D009386, MONDO:0015356.
Peutz-Jeghers syndrome (PJS). Also called: POLYPOSIS, HAMARTOMATOUS INTESTINAL; POLYPS-AND-SPOTS SYNDROME; Peutz-Jeghers polyposis; Periorificial lentiginosis syndrome. Identifiers: Orphanet 2869, MedGen C0031269, MeSH D010580, MONDO:0008280, OMIM 175200.

Allele frequency attached by ClinVar (database versions not stated): gnomAD exomes below 0.00001; ExAC 0.00001; gnomAD 0.00001.
gnomAD v4.1: 5 of 1,613,532 alleles (0.00031%); highest among the groups gnomAD compares: East Asian, 0.0045%; no homozygotes.

Submissions (7):

Labcorp Genetics (formerly Invitae), Labcorp
Classification: Likely benign for Peutz-Jeghers syndrome. Last evaluated: 2025-10-18. Review status: criteria provided, single submitter. Criteria: Invitae Variant Classification Sherloc (09022015). Collection method: clinical testing. Allele origin: germline.

Myriad Genetics, Inc.
Classification: Benign for Peutz-Jeghers syndrome. Last evaluated: 2025-03-25. Review status: criteria provided, single submitter. Criteria: Myriad Autosomal Dominant, Autosomal Recessive and X-Linked Classification Criteria (2023). Collection method: clinical testing. Allele origin: unknown.
Comment: This variant is considered benign. This variant is a silent/synonymous amino acid change and it is not expected to impact splicing.

All of Us Research Program, National Institutes of Health
Classification: Likely benign for Peutz-Jeghers syndrome. Last evaluated: 2023-11-20. Review status: criteria provided, single submitter. Criteria: ACMG Guidelines, 2015. Collection method: clinical testing. Allele origin: germline. Inheritance: Autosomal dominant inheritance. Observed: 1 variant allele, 1 heterozygote.
Comment: This study involves interpretation of variants in research participants for the purpose of population health screening. Participant phenotype was not available at the time of variant classification. Additional details can be found in publication PMID: 35346344, PMCID: PMC8962531

Genome-Nilou Lab
Classification: Likely benign for Peutz-Jeghers syndrome. Last evaluated: 2021-07-15. Review status: criteria provided, single submitter. Criteria: ACMG Guidelines, 2015. Collection method: clinical testing. Allele origin: germline. Affected: no.

Ambry Genetics
Classification: Likely benign for Hereditary cancer-predisposing syndrome. Last evaluated: 2019-07-08. Review status: criteria provided, single submitter. Criteria: Ambry Variant Classification Scheme 2023. Collection method: clinical testing. Allele origin: germline.

Color Diagnostics, LLC DBA Color Health
Classification: Likely benign for Hereditary cancer-predisposing syndrome. Last evaluated: 2019-06-05. Review status: criteria provided, single submitter. Criteria: ACMG Guidelines, 2015. Collection method: clinical testing. Allele origin: germline.

GeneDx
Classification: Benign. Last evaluated: 2015-03-03. Review status: criteria provided, single submitter. Criteria: GeneDx Variant Classification Process June 2021. Collection method: clinical testing. Allele origin: germline. Affected: yes.

NM_000455.5(STK11):c.327T>C (p.Asn109=)

Gene: STK11 (serine/threonine kinase 11; plus strand). Cytogenetic location: 19p13.3.
Variant type: single nucleotide variant.
Coding change: c.327T>C on transcript NM_000455.5 (MANE Select); coding-DNA position 327, T replaced by C.
Protein change: p.Asn109=; no amino-acid change (asparagine 109 retained).
Molecular consequence: synonymous variant.
Genome position (GRCh38, 1-based): chr19:1,218,453, T>C. VCF-style: chr19-1218453-T-C. GRCh37 (hg19) VCF-style: chr19-1218452-T-C.
Identifiers: ClinVar variation 706134 (VCV000706134.20), dbSNP rs749251218, ClinGen allele CA047122.